The following is an entry in ClinVar:

ClinVar aggregate classification (germline): Uncertain significance (1 of 4 stars; one submission).

Conditions:
Pancytopenia-developmental delay syndrome. Also called: Bone marrow failure syndrome 2. Identifiers: Orphanet 401764, MedGen C3810350, MONDO:0014317, OMIM 615715.

Submission:

St. Jude Molecular Pathology, St. Jude Children's Research Hospital
Classification: Uncertain significance for Pancytopenia-developmental delay syndrome. Last evaluated: 2024-04-11. Review status: criteria provided, single submitter. Criteria: St. Jude Assertion Criteria 2020. Collection method: clinical testing. Allele origin: germline.
Comment: The ERCC6L2 c.1414-18C>T intronic change results in an C to T substitution at the -18 position of intron 8 of the ERCC6L2 gene. Algorithms that predict the impact of sequence changes on splicing are inconclusive, and RNA data is not available to confirm this prediction. This variant is absent in gnomAD v2.1.1. This variant has not been reported in individuals with ERCC6L2-related conditions. In summary, the evidence currently available is insufficient to determine the clinical significance of this variant. It has therefore been classified as of uncertain significance.

NM_020207.7(ERCC6L2):c.1414-18C>T

Gene: ERCC6L2 (ERCC excision repair 6 like 2; plus strand). Cytogenetic location: 9q22.32.
Variant type: single nucleotide variant.
Coding change: c.1414-18C>T on transcript NM_020207.7 (MANE Select); 18 bases into the intron before coding-DNA position 1414, C replaced by T.
Molecular consequence: intron variant.
Genome position (GRCh38, 1-based): chr9:95,923,242, C>T. VCF-style: chr9-95923242-C-T. GRCh37 (hg19) VCF-style: chr9-98685524-C-T.
Other names: c.1414-18C>T (NM_001375291.1, NM_001375292.1, NM_001375294.1 and 2 more transcripts).
Identifiers: ClinVar variation 3377768 (VCV003377768.1).